The following is an entry in ClinVar:

NM_144991.3(TSPEAR):c.764A>G (p.Asp255Gly)

Gene: TSPEAR (thrombospondin type laminin G domain and EAR repeats; minus strand). Cytogenetic location: 21q22.3.
Variant type: single nucleotide variant.
Coding change: c.764A>G on transcript NM_144991.3 (MANE Select); coding-DNA position 764, A replaced by G.
Protein change: p.Asp255Gly; replaces aspartic acid 255 with glycine.
Molecular consequence: missense variant.
Genome position (GRCh38, 1-based): chr21:44,529,824, T>C on the plus strand (A>G on the coding strand, the complement: TSPEAR is on the minus strand). VCF-style: chr21-44529824-T-C. GRCh37 (hg19) VCF-style: chr21-45949707-T-C.
Other names: c.560A>G, p.Asp187Gly (NM_001272037.2); short protein forms D255G, D187G.
Identifiers: ClinVar variation 1520377 (VCV001520377.8), dbSNP rs1346745775, ClinGen allele CA410445059.

ClinVar aggregate classification (germline): Uncertain significance (1 of 4 stars; one submission).

Allele frequency attached by ClinVar (database versions not stated): gnomAD exomes below 0.00001; gnomAD 0.00001; TOPMed 0.00002.
gnomAD v4.1: 2 of 1,613,798 alleles (0.00012%); highest among the groups gnomAD compares: Admixed American, 0.0017%; no homozygotes.

Submission:

Labcorp Genetics (formerly Invitae), Labcorp
Classification: Uncertain significance. Last evaluated: 2022-04-08. Review status: criteria provided, single submitter. Criteria: Invitae Variant Classification Sherloc (09022015). Collection method: clinical testing. Allele origin: germline.
Comment: This sequence change replaces aspartic acid, which is acidic and polar, with glycine, which is neutral and non-polar, at codon 255 of the TSPEAR protein (p.Asp255Gly). In summary, the available evidence is currently insufficient to determine the role of this variant in disease. Therefore, it has been classified as a Variant of Uncertain Significance. Algorithms developed to predict the effect of sequence changes on RNA splicing suggest that this variant may disrupt the consensus splice site. Algorithms developed to predict the effect of missense changes on protein structure and function (SIFT, PolyPhen-2, Align-GVGD) all suggest that this variant is likely to be tolerated. This variant has not been reported in the literature in individuals affected with TSPEAR-related conditions. This variant is not present in population databases (gnomAD no frequency).